The following is an entry in ClinVar:

NM_000454.5(SOD1):c.59A>G (p.Asn20Ser)

Genes: SOD1 (superoxide dismutase 1; plus strand), SOD1-DT (SOD1 divergent transcript; minus strand). Cytogenetic location: 21q22.11.
Variant type: single nucleotide variant.
Coding change: c.59A>G on transcript NM_000454.5 (MANE Select); coding-DNA position 59, A replaced by G.
Protein change: p.Asn20Ser; replaces asparagine 20 with serine.
Molecular consequence: missense variant.
Genome position (GRCh38, 1-based): chr21:31,659,828, A>G. VCF-style: chr21-31659828-A-G. GRCh37 (hg19) VCF-style: chr21-33032141-A-G.
Other names: short protein forms N20S.
Identifiers: ClinVar variation 516816 (VCV000516816.8), dbSNP rs768029813, ClinGen allele CA9998859.
Genomic context (GRCh38, chr21:31,659,828, plus strand): 5'-TTATGGCGACGAAGGCCGTGTGCGTGCTGAAGGGCGACGGCCCAGTGCAGGGCATCATCA[A>G]TTTCGAGCAGAAGGCAAGGGCTGGGACGGAGGCTTGTTTGCGAGGCCGCTCCCACCCGCT-3'
Protein context (NP_000445.1, residues 10-30): KGDGPVQGII[Asn20Ser]FEQKESNGPV

ClinVar aggregate classification (germline): Conflicting classifications of pathogenicity. Review status: criteria provided, conflicting classifications (1 of 4 stars). 3 submissions from 3 submitters: Uncertain significance (2); Likely benign (1). Last evaluated 2026-03-11.

Conditions:
SOD1-related disorder. Also called: SOD1-related condition.
Amyotrophic lateral sclerosis type 1 (ALS1). Also called: AMYOTROPHIC LATERAL SCLEROSIS 1, FAMILIAL. Identifiers: Orphanet 803, MedGen C1862939, MONDO:0007103, OMIM 105400.

Allele frequency attached by ClinVar (database versions not stated): gnomAD 0.00004 and 0.00005; TOPMed 0.00005; ExAC 0.00008; gnomAD exomes 0.00008.
gnomAD v4.1: 121 of 1,613,482 alleles (0.0075%); highest among the groups gnomAD compares: Middle Eastern, 0.033%; no homozygotes.

Submissions (3):

PreventionGenetics, part of Exact Sciences
Classification: Uncertain significance for SOD1-related condition. Last evaluated: 2026-03-11. Review status: criteria provided, single submitter. Criteria: ACMG Guidelines, 2015. Collection method: clinical testing. Allele origin: germline.
Comment: The SOD1 c.59A>G variant is predicted to result in the amino acid substitution p.Asn20Ser. This variant, previously reported as p.Asn19Ser, has been reported in unrelated individuals with amyotrophic lateral sclerosis (ALS); however, subsequent family studies showed a lack of segregation across multiple generations (Mayeux et al. 2003. PubMed ID: 12783432; Vela et al. 2011. PubMed ID: 21549454). In vitro functional studies expressing this variant in two independent cell lines demonstrated conflicting results. In one study using NSC34 cells, expression of this variant resulted in less protein aggregation and cell death compared to a known pathogenic SOD1 variant (Obata et al. 2005. PubMed ID: 16035108); while a study using HEK293T cells demonstrated an increase in aggregation propensity and diminished SOD1 protein expression (Chen et al. 2022. PubMed ID: 36376198). This variant is reported in 0.016% of alleles in individuals of European (non-Finnish) descent in gnomAD. Given the evidence, the clinical significance of this variant is uncertain due to the absence of conclusive functional and genetic evidence.

Labcorp Genetics (formerly Invitae), Labcorp
Classification: Uncertain significance for Amyotrophic lateral sclerosis type 1. Last evaluated: 2025-09-04. Review status: criteria provided, single submitter. Criteria: Invitae Variant Classification Sherloc (09022015). Collection method: clinical testing. Allele origin: germline.
Comment: This sequence change replaces asparagine, which is neutral and polar, with serine, which is neutral and polar, at codon 20 of the SOD1 protein (p.Asn20Ser). This variant is present in population databases (rs768029813, gnomAD 0.02%). This missense change has been observed in individual(s) with amyotrophic lateral sclerosis and in unaffected family members (PMID: 12783432, 14506936, 14755739, 21549454, 32951934, 37668704). This variant is also known as N19S. ClinVar contains an entry for this variant (Variation ID: 516816). Invitae Evidence Modeling of protein sequence and biophysical properties (such as structural, functional, and spatial information, amino acid conservation, physicochemical variation, residue mobility, and thermodynamic stability) indicates that this missense variant is not expected to disrupt SOD1 protein function with a negative predictive value of 95%. Experimental studies have shown that this missense change affects SOD1 function (PMID: 16035108). In summary, the available evidence is currently insufficient to determine the role of this variant in disease. Therefore, it has been classified as a Variant of Uncertain Significance.

GeneDx
Classification: Likely benign. Last evaluated: 2017-10-26. Review status: criteria provided, single submitter. Criteria: GeneDx Variant Classification (06012015). Collection method: clinical testing. Allele origin: germline. Affected: yes.
Comment: This variant is considered likely benign or benign based on one or more of the following criteria: it is a conservative change, it occurs at a poorly conserved position in the protein, it is predicted to be benign by multiple in silico algorithms, and/or has population frequency not consistent with disease.

Literature cited by the submitters: PubMed 12783432 (cited by Labcorp Genetics (formerly Invitae), Labcorp); PubMed 14506936 (cited by Labcorp Genetics (formerly Invitae), Labcorp); PubMed 14755739 (cited by Labcorp Genetics (formerly Invitae), Labcorp); PubMed 21549454 (cited by Labcorp Genetics (formerly Invitae), Labcorp); PubMed 32951934 (cited by Labcorp Genetics (formerly Invitae), Labcorp); PubMed 37668704 (cited by Labcorp Genetics (formerly Invitae), Labcorp); PubMed 16035108 (cited by Labcorp Genetics (formerly Invitae), Labcorp).